The following is an entry in ClinVar:

ClinVar aggregate classification (germline): Uncertain significance (1 of 4 stars; one submission).

Conditions:
Atrioventricular septal defect 4 (AVSD4). Identifiers: MedGen C3280781, MONDO:0013747, OMIM 614430.

Submission:

Labcorp Genetics (formerly Invitae), Labcorp
Classification: Uncertain significance for Atrioventricular septal defect 4. Last evaluated: 2024-10-24. Review status: criteria provided, single submitter. Criteria: Invitae Variant Classification Sherloc (09022015). Collection method: clinical testing. Allele origin: germline.
Comment: This sequence change replaces arginine, which is basic and polar, with histidine, which is basic and polar, at codon 146 of the GATA4 protein (p.Arg146His). This variant is not present in population databases (gnomAD no frequency). This variant has not been reported in the literature in individuals affected with GATA4-related conditions. Invitae Evidence Modeling of protein sequence and biophysical properties (such as structural, functional, and spatial information, amino acid conservation, physicochemical variation, residue mobility, and thermodynamic stability) has been performed for this missense variant. However, the output from this modeling did not meet the statistical confidence thresholds required to predict the impact of this variant on GATA4 protein function. In summary, the available evidence is currently insufficient to determine the role of this variant in disease. Therefore, it has been classified as a Variant of Uncertain Significance.

NM_001308093.3(GATA4):c.437G>A (p.Arg146His)

Gene: GATA4 (GATA binding protein 4). Cytogenetic location: 8p23.1.
Variant type: single nucleotide variant.
Coding change: c.437G>A on transcript NM_001308093.3 (MANE Select); coding-DNA position 437, G replaced by A.
Protein change: p.Arg146His; replaces arginine 146 with histidine.
Molecular consequence: missense variant. On other transcripts: intron variant (3).
Genome position (GRCh38, 1-based): chr8:11,708,749, G>A. VCF-style: chr8-11708749-G-A. GRCh37 (hg19) VCF-style: chr8-11566258-G-A.
Other names: c.437G>A, p.Arg146His (NM_002052.5); c.-6+7971G>A (NM_001308094.2); c.-3+735G>A (NM_001374274.1); c.-3+4445G>A (NM_001374273.1); short protein forms R146H.
Identifiers: ClinVar variation 3721164 (VCV003721164.2).
Genomic context (GRCh38, chr8:11,708,749, plus strand): 5'-CCCGGGAAGCTGCGGCCTACAGCAGTGGCGGCGGAGCGGCGGGTGCGGGCCTGGCGGGCC[G>A]CGAGCAGTACGGGCGCGCCGGCTTCGCGGGCTCCTACTCCAGCCCCTACCCGGCTTACAT-3'
Protein context (NP_001295022.1, residues 136-156): GGAAGAGLAG[Arg146His]EQYGRAGFAG